The following is an entry in ClinVar:

NM_001001957.2(OR2W3):c.850dup (p.Leu284fs)

Gene: OR2W3 (olfactory receptor family 2 subfamily W member 3; plus strand). Cytogenetic location: 1q44.
Variant type: Duplication.
Coding change: c.850dup on transcript NM_001001957.2 (MANE Select); coding-DNA position 850, one base duplicated (C; older notation c.850dupC).
Protein change: p.Leu284fs; shifts the reading frame from leucine 284.
Molecular consequence: frameshift variant.
Genome position (GRCh38, 1-based): chr1:247,896,436, C duplicated; the last of 6 consecutive C bases (chr1:247,896,431-247,896,436); duplicating any one gives the same sequence. VCF-style (leftmost placement, unchanged base first): chr1-247896430-A-AC. GRCh37 (hg19) VCF-style: chr1-248059732-A-AC.
Other names: short protein forms L284fs.
Identifiers: ClinVar variation 1514358 (VCV001514358.6), dbSNP rs1268396241, ClinGen allele CA913073402.
Genomic context (GRCh38, chr1:247,896,430, plus strand): 5'-CCAGGAGCCAGTTCTTCCCAGGACCAGGGCATGTTCCTCATGCTCTTCTACAACATTGTC[A>AC]CCCCCCTCCTCAATCCTCTCATCTACACCCTCAGAAACAGAGAGGTGAAGGGGGCACTGG-3'

ClinVar aggregate classification (germline): Uncertain significance (1 of 4 stars; one submission).

Submission:

Labcorp Genetics (formerly Invitae), Labcorp
Classification: Uncertain significance. Last evaluated: 2022-07-11. Review status: criteria provided, single submitter. Criteria: Invitae Variant Classification Sherloc (09022015). Collection method: clinical testing. Allele origin: germline.
Comment: In summary, the available evidence is currently insufficient to determine the role of this variant in disease. Therefore, it has been classified as a Variant of Uncertain Significance. Experimental studies and prediction algorithms are not available or were not evaluated, and the functional significance of this variant is currently unknown. ClinVar contains an entry for this variant (Variation ID: 1514358). This variant has not been reported in the literature in individuals affected with OR2W3-related conditions. This variant is not present in population databases (gnomAD no frequency). This sequence change creates a premature translational stop signal (p.Leu284Profs*) in the OR2W3 gene. While this is not anticipated to result in nonsense mediated decay, it is expected to disrupt the last 31 amino acid(s) of the OR2W3 protein.